The following is an entry in ClinVar:

ClinVar aggregate classification (germline): Uncertain significance (1 of 4 stars; one submission).

Submission:

Labcorp Genetics (formerly Invitae), Labcorp
Classification: Uncertain significance. Last evaluated: 2024-09-12. Review status: criteria provided, single submitter. Criteria: Invitae Variant Classification Sherloc (09022015). Collection method: clinical testing. Allele origin: germline.
Comment: This sequence change replaces glutamine, which is neutral and polar, with arginine, which is basic and polar, at codon 686 of the SEMA6B protein (p.Gln686Arg). This variant is not present in population databases (gnomAD no frequency). This variant has not been reported in the literature in individuals affected with SEMA6B-related conditions. An algorithm developed to predict the effect of missense changes on protein structure and function (PolyPhen-2) suggests that this variant is likely to be tolerated. In summary, the available evidence is currently insufficient to determine the role of this variant in disease. Therefore, it has been classified as a Variant of Uncertain Significance.

NM_032108.4(SEMA6B):c.2057A>G (p.Gln686Arg)

Gene: SEMA6B (semaphorin 6B; minus strand). Cytogenetic location: 19p13.3.
Variant type: single nucleotide variant.
Coding change: c.2057A>G on transcript NM_032108.4 (MANE Select); coding-DNA position 2057, A replaced by G.
Protein change: p.Gln686Arg; replaces glutamine 686 with arginine.
Molecular consequence: missense variant.
Genome position (GRCh38, 1-based): chr19:4,544,211, T>C on the plus strand (A>G on the coding strand, the complement: SEMA6B is on the minus strand). VCF-style: chr19-4544211-T-C. GRCh37 (hg19) VCF-style: chr19-4544223-T-C.
Other names: short protein forms Q686R.
Identifiers: ClinVar variation 3664155 (VCV003664155.2).